The following is an entry in ClinVar:

NM_015021.3(ZNF292):c.4382G>A (p.Arg1461His)

Gene: ZNF292 (zinc finger protein 292; plus strand). Cytogenetic location: 6q14.3.
Variant type: single nucleotide variant.
Coding change: c.4382G>A on transcript NM_015021.3 (MANE Select); coding-DNA position 4382, G replaced by A.
Protein change: p.Arg1461His; replaces arginine 1461 with histidine.
Molecular consequence: missense variant.
Genome position (GRCh38, 1-based): chr6:87,258,011, G>A. VCF-style: chr6-87258011-G-A. GRCh37 (hg19) VCF-style: chr6-87967729-G-A.
Other names: c.3962G>A, p.Arg1321His (NM_001351444.2); short protein forms R1321H, R1461H.
Identifiers: ClinVar variation 4821291 (VCV004821291.4).
Genomic context (GRCh38, chr6:87,258,011, plus strand): 5'-CCTTCAATCCAGAAGCATGTTTTAAAGATCCATCATTTCTACAGCTTCTTGCTGAAAATC[G>A]CTCGCCAGCATTTTTACCAAATACATTTCCTCGATCTGGTGTGACTAACTTTAATACCAG-3'
Protein context (NP_055836.1, residues 1451-1471): PSFLQLLAEN[Arg1461His]SPAFLPNTFP

ClinVar aggregate classification (germline): Likely benign (1 of 4 stars; one submission).

gnomAD v4.1: 58 of 1,613,758 alleles (0.0036%); highest among the groups gnomAD compares: South Asian, 0.026%; 1 homozygote.

Submission:

CeGaT Center for Human Genetics Tuebingen
Classification: Likely benign. Last evaluated: 2026-01-01. Review status: criteria provided, single submitter. Criteria: CeGaT Center For Human Genetics Tuebingen Variant Classification Criteria Version 2. Collection method: clinical testing. Allele origin: germline. Affected: yes. Observed: 1 variant allele.
Comment: ZNF292: BP4